The following is an entry in ClinVar:

ClinVar aggregate classification (germline): Conflicting classifications of pathogenicity. Review status: criteria provided, conflicting classifications (1 of 4 stars). 3 submissions from 3 submitters: Likely pathogenic (2); Uncertain significance (1). Last evaluated 2025-08-15.

Conditions:
Hypertrophic cardiomyopathy 26. Also called: Cardiomyopathy, familial hypertrophic, 26. Identifiers: Orphanet 75249, MedGen C4310749, MONDO:0014883, OMIM 617047.
Distal myopathy with posterior leg and anterior hand involvement. Also called: WILLIAMS DISTAL MYOPATHY. Identifiers: Orphanet 63273, MedGen C3279722, MONDO:0013550, OMIM 614065.
Myofibrillar myopathy 5. Also called: Filaminopathy (type); FILAMINOPATHY, AUTOSOMAL DOMINANT. Identifiers: Orphanet 171445, MedGen C1836050, MONDO:0012289, OMIM 609524.
Cardiovascular phenotype. Identifiers: MedGen CN230736.

Allele frequency attached by ClinVar (database versions not stated): gnomAD exomes below 0.00001; ExAC 0.00001.
gnomAD v4.1: 2 of 1,613,146 alleles (0.00012%); highest among the groups gnomAD compares: South Asian, 0.0011%; no homozygotes.

Submissions (3):

GeneDx
Classification: Likely pathogenic. Last evaluated: 2025-08-15. Review status: criteria provided, single submitter. Criteria: GeneDx Variant Classification Process June 2021. Collection method: clinical testing. Allele origin: germline. Affected: yes.
Comment: Canonical splice site variant predicted to result in an in-frame loss of the adjacent exon in a gene for which loss of function is a known mechanism of disease; Not observed at significant frequency in large population cohorts (gnomAD); This variant is associated with the following publications: (PMID: 30418145, 31245841, 32112656)

Labcorp Genetics (formerly Invitae), Labcorp
Classification: Likely pathogenic for Distal myopathy with posterior leg and anterior hand involvement; Myofibrillar myopathy 5; Hypertrophic cardiomyopathy 26. Last evaluated: 2025-06-06. Review status: criteria provided, single submitter. Criteria: Invitae Variant Classification Sherloc (09022015). Collection method: clinical testing. Allele origin: germline.
Comment: This sequence change affects an acceptor splice site in intron 8 of the FLNC gene. It is expected to disrupt RNA splicing. Variants that disrupt the donor or acceptor splice site typically lead to a loss of protein function (PMID: 16199547), and loss-of-function variants in FLNC are known to be pathogenic (PMID: 27908349). This variant is present in population databases (rs752476855, gnomAD 0.003%). Disruption of this splice site has been observed in individual(s) with dilated cardiomyopathy (PMID: 31245841). ClinVar contains an entry for this variant (Variation ID: 1772058). Algorithms developed to predict the effect of sequence changes on RNA splicing suggest that this variant may disrupt the consensus splice site. In summary, the currently available evidence indicates that the variant is pathogenic, but additional data are needed to prove that conclusively. Therefore, this variant has been classified as Likely Pathogenic.

Ambry Genetics
Classification: Uncertain significance for Cardiovascular phenotype. Last evaluated: 2023-01-10. Review status: criteria provided, single submitter. Criteria: Ambry Variant Classification Scheme 2023. Collection method: clinical testing. Allele origin: germline.
Comment: The c.1412-1G>A intronic variant results from a G to A substitution one nucleotide upstream from coding exon 9 of the FLNC gene. This variant has been detected in a dilated cardiomyopathy case; however, details were limited (Ader F et al. Clin Genet. 2019 Oct;96(4):317-329). Alterations that disrupt the canonical splice site are expected to result in aberrant splicing. In silico splice site analysis predicts that this alteration will weaken the native splice acceptor site and will result in the creation or strengthening of a novel splice acceptor site. The resulting transcript is predicted to be in-frame and is not expected to trigger nonsense-mediated mRNA decay; however, direct evidence is unavailable. The exact functional effect of the altered amino acid sequence is unknown. This nucleotide position is highly conserved in available vertebrate species. Since supporting evidence is limited at this time, the clinical significance of this alteration remains unclear.

Literature cited by the submitters: PubMed 16199547 (cited by Labcorp Genetics (formerly Invitae), Labcorp); PubMed 27908349 (cited by Labcorp Genetics (formerly Invitae), Labcorp); PubMed 31245841 (cited by Labcorp Genetics (formerly Invitae), Labcorp); PubMed 30418145 (cited by Ambry Genetics).

NM_001458.5(FLNC):c.1412-1G>A

Gene: FLNC (filamin C; plus strand). Cytogenetic location: 7q32.1.
Variant type: single nucleotide variant.
Coding change: c.1412-1G>A on transcript NM_001458.5 (MANE Select); the canonical splice acceptor site of the intron before coding-DNA position 1412, G replaced by A.
Molecular consequence: splice acceptor variant.
Genome position (GRCh38, 1-based): chr7:128,840,022, G>A. VCF-style: chr7-128840022-G-A. GRCh37 (hg19) VCF-style: chr7-128480076-G-A.
Other names: c.1412-1G>A (NM_001127487.2).
Identifiers: ClinVar variation 1772058 (VCV001772058.5), dbSNP rs752476855, ClinGen allele CA4474337.